The following is an entry in ClinVar:

NM_001372044.2(SHANK3):c.1191-1G>A

Gene: SHANK3 (SH3 and multiple ankyrin repeat domains 3; plus strand). Cytogenetic location: 22q13.33.
Variant type: single nucleotide variant.
Coding change: c.1191-1G>A on transcript NM_001372044.2 (MANE Select); the canonical splice acceptor site of the intron before coding-DNA position 1191, G replaced by A.
Molecular consequence: splice acceptor variant.
Genome position (GRCh38, 1-based): chr22:50,684,584, G>A. VCF-style: chr22-50684584-G-A. GRCh37 (hg19) VCF-style: chr22-51123012-G-A.
Other names: NM_001372044.2:c.1189-1G>A.
Identifiers: ClinVar variation 4819456 (VCV004819456.1).
Genomic context (GRCh38, chr22:50,684,584, plus strand): 5'-AAAGCTGGTGCTGCTCAGCCCCTCCCTGCTCCTCAAGGCCTTGACCTCCCCTTTCCCTCA[G>A]GTGGCCATCATCGCAGGGAACTTTGAGCTTGCAGAGGTTATCAAGACCCACAAAGACTCG-3'

ClinVar aggregate classification (germline): Likely pathogenic (1 of 4 stars; one submission).

Conditions:
Phelan-McDermid syndrome. Also called: TELOMERIC 22q13 MONOSOMY SYNDROME; 22q13.3 deletion syndrome; Phelan-McDermid Syndrome-SHANK3 Related. Identifiers: Orphanet 48652, MedGen C1853490, MONDO:0011652, OMIM 606232.

Submission:

Broad Center for Mendelian Genomics, Broad Institute of MIT and Harvard
Classification: Likely pathogenic for Phelan-McDermid syndrome. Last evaluated: 2026-03-02. Review status: criteria provided, single submitter. Criteria: ACMG Guidelines, 2015. Collection method: research. Allele origin: germline. Inheritance: Autosomal dominant inheritance.
Comment: The c.1189-1G>A variant in SHANK3 has not been previously reported in the literature in individuals with Phelan-McDermid syndrome and was absent from large population studies. This variant is located in the 5' splice region. Computational tools predict a splicing impact, though this information is not predictive enough to determine pathogenicity. Heterozygous loss of function of the SHANK3 gene is an established disease mechanism in Phelan-McDermid syndrome. In summary, although additional studies are required to fully establish its clinical significance, this variant is likely pathogenic for autosomal dominant Phelan-McDermid syndrome. ACMG/AMP Criteria applied: PVS1, PM2_supporting (Richards 2015).